The following is an entry in ClinVar:

NC_000012.12:g.(?_132624697)_(132626327_?)dup

Gene: POLE (DNA polymerase epsilon, catalytic subunit; minus strand). Cytogenetic location: 12q24.33.
Variant type: Duplication.
Identifiers: ClinVar variation 833209 (VCV000833209.2).

ClinVar aggregate classification (germline): Uncertain significance (1 of 4 stars; one submission).

Conditions:
Colorectal cancer, susceptibility to, 12 (CRCS12). Also called: COLORECTAL CANCER, SUSCEPTIBILITY TO, ON CHROMOSOME 12q24. Identifiers: Orphanet 220460, MedGen C3554460, MONDO:0014038, OMIM 615083.

Submission:

Labcorp Genetics (formerly Invitae), Labcorp
Classification: Uncertain significance for Colorectal cancer, susceptibility to, 12. Last evaluated: 2019-07-22. Review status: criteria provided, single submitter. Criteria: Invitae Variant Classification Sherloc (09022015). Collection method: clinical testing. Allele origin: germline.
Comment: This variant results in a copy number gain of the genomic region encompassing exons 46-49 of the POLE gene. The 5' boundary is likely confined to intron 45. The 3' end of this event is unknown as it extends beyond the assayed region for this gene and therefore may encompass additional genes. As the precise location of this event is unknown, it may be in tandem or it may be located elsewhere in the genome. This variant has not been reported in the literature in individuals with POLE-related conditions. Experimental studies and prediction algorithms are not available or were not evaluated for this variant, and the functional significance of the affected amino acid(s) is currently unknown. In summary, the available evidence is currently insufficient to determine the role of this variant in disease. Therefore, it has been classified as a Variant of Uncertain Significance.